The following is an entry in ClinVar:

ClinVar aggregate classification (germline): Uncertain significance (1 of 4 stars; one submission).

Submission:

Labcorp Genetics (formerly Invitae), Labcorp
Classification: Uncertain significance. Last evaluated: 2023-11-16. Review status: criteria provided, single submitter. Criteria: Invitae Variant Classification Sherloc (09022015). Collection method: clinical testing. Allele origin: germline.
Comment: This sequence change affects an acceptor splice site in intron 8 of the CEP89 gene. It is expected to disrupt RNA splicing. Variants that disrupt the donor or acceptor splice site typically lead to a loss of protein function (PMID: 16199547), however the current clinical and genetic evidence is not sufficient to establish whether loss-of-function variants in CEP89 cause disease. This variant is not present in population databases (gnomAD no frequency). This variant has not been reported in the literature in individuals affected with CEP89-related conditions. Algorithms developed to predict the effect of sequence changes on RNA splicing suggest that this variant may disrupt the consensus splice site. In summary, the available evidence is currently insufficient to determine the role of this variant in disease. Therefore, it has been classified as a Variant of Uncertain Significance.

Literature cited by the submitters: PubMed 16199547.

NM_032816.5(CEP89):c.887-1G>C

Gene: CEP89 (centrosomal protein 89; minus strand). Cytogenetic location: 19q13.11.
Variant type: single nucleotide variant.
Coding change: c.887-1G>C on transcript NM_032816.5 (MANE Select); the canonical splice acceptor site of the intron before coding-DNA position 887, G replaced by C.
Molecular consequence: splice acceptor variant.
Genome position (GRCh38, 1-based): chr19:32,931,572, C>G on the plus strand (G>C on the coding strand, the complement: CEP89 is on the minus strand). VCF-style: chr19-32931572-C-G. GRCh37 (hg19) VCF-style: chr19-33422478-C-G.
Identifiers: ClinVar variation 2896384 (VCV002896384.3), dbSNP rs1380097876, ClinGen allele CA405205056.